The following is an entry in ClinVar:

NM_000814.6(GABRB3):c.682_682+3dup

Gene: GABRB3 (gamma-aminobutyric acid type A receptor subunit beta3; minus strand). Cytogenetic location: 15q12.
Variant type: Duplication.
Coding change: c.682_682+3dup on transcript NM_000814.6 (MANE Select); coding-DNA position 682 through 3 bases into the intron after coding-DNA position 682, 4 bases duplicated (GGTG; older notation c.682_682+3dupGGTG).
Molecular consequence: splice donor variant.
Genome position (GRCh38, 1-based): chr15:26,580,316-26,580,319, CACC duplicated on the plus strand (GGTG on the coding strand, the reverse complement: GABRB3 is on the minus strand). VCF-style (leftmost placement, unchanged base first): chr15-26580315-T-TCACC. GRCh37 (hg19) VCF-style: chr15-26825462-T-TCACC.
Other names: c.682_682+3dup (NM_021912.5); c.427_427+3dup (NM_001278631.2, NM_001191320.2); c.469_469+3dup (NM_001191321.3); c.682_682+3dupGGTG (NM_000814.5).
Identifiers: ClinVar variation 469575 (VCV000469575.8), dbSNP rs1254941219, ClinGen allele CA616945546.
Genomic context (GRCh38, chr15:26,580,315, plus strand): 5'-TCACTCCAGTCACGCCCATGGAGCCAGTGCCCCTGAAGGGACTATAAGTGGATGCAGGAC[T>TCACC]CACCTGTGGCGAAGACAACATTCCTCGAGACCAGACGGTGCTCCACGATGGAGAACTGCG-3'

ClinVar aggregate classification (germline): Uncertain significance (1 of 4 stars; one submission).

Conditions:
Epilepsy, childhood absence, susceptibility to, 1. Also called: Epilepsy, childhood absence 1. Identifiers: Orphanet 64280, MedGen C1838604, MONDO:0020759, OMIM 600131.
Epilepsy, childhood absence, susceptibility to, 5. Identifiers: Orphanet 64280, MedGen C2677087, MONDO:0012843, OMIM 612269.

Allele frequency attached by ClinVar (database versions not stated): gnomAD exomes below 0.00001 and 0.00001; gnomAD 0.00001; TOPMed 0.00001.

Submission:

Labcorp Genetics (formerly Invitae), Labcorp
Classification: Uncertain significance for Epilepsy, childhood absence, susceptibility to, 5; Epilepsy, childhood absence, susceptibility to, 1. Last evaluated: 2025-06-18. Review status: criteria provided, single submitter. Criteria: Invitae Variant Classification Sherloc (09022015). Collection method: clinical testing. Allele origin: germline.
Comment: This sequence change falls in intron 6 of the GABRB3 gene. It does not directly change the encoded amino acid sequence of the GABRB3 protein. It affects a nucleotide within the consensus splice site. This variant is present in population databases (no rsID available, gnomAD 0.006%). This variant has not been reported in the literature in individuals affected with GABRB3-related conditions. ClinVar contains an entry for this variant (Variation ID: 469575). Variants that disrupt the consensus splice site are a relatively common cause of aberrant splicing (PMID: 17576681, 9536098). Algorithms developed to predict the effect of sequence changes on RNA splicing suggest that this variant is not likely to affect RNA splicing. In summary, the available evidence is currently insufficient to determine the role of this variant in disease. Therefore, it has been classified as a Variant of Uncertain Significance.

Literature cited by the submitters: PubMed 17576681; PubMed 9536098.